The following is an entry in ClinVar:

ClinVar aggregate classification (germline): Uncertain significance (1 of 4 stars; one submission).

Conditions:
PCSK5-related disorder. Also called: PCSK5-related condition.

Submission:

PreventionGenetics, part of Exact Sciences
Classification: Uncertain significance for PCSK5-related condition. Last evaluated: 2025-07-10. Review status: criteria provided, single submitter. Criteria: ACMG Guidelines, 2015. Collection method: clinical testing. Allele origin: germline.
Comment: The PCSK5 c.4416T>A variant is predicted to result in the amino acid substitution p.His1472Gln. To our knowledge, this variant has not been reported in the literature or in a large population database (gnomAD), indicating this variant is rare. At this time, the clinical significance of this variant is uncertain due to the absence of conclusive functional and genetic evidence.

NM_001372043.1(PCSK5):c.4497T>A (p.His1499Gln)

Gene: PCSK5 (proprotein convertase subtilisin/kexin type 5; plus strand). Cytogenetic location: 9q21.13.
Variant type: single nucleotide variant.
Coding change: c.4497T>A on transcript NM_001372043.1 (MANE Select); coding-DNA position 4497, T replaced by A.
Protein change: p.His1499Gln; replaces histidine 1499 with glutamine.
Molecular consequence: missense variant.
Genome position (GRCh38, 1-based): chr9:76,328,166, T>A. VCF-style: chr9-76328166-T-A. GRCh37 (hg19) VCF-style: chr9-78943082-T-A.
Other names: c.4416T>A, p.His1472Gln (NM_001190482.2); short protein forms H1499Q, H1472Q.
Identifiers: ClinVar variation 4999327 (VCV004999327.1).